The following is an entry in ClinVar:

ClinVar aggregate classification (germline): Conflicting classifications of pathogenicity. Review status: criteria provided, conflicting classifications (1 of 4 stars). 6 submissions from 6 submitters: Uncertain significance (4); Likely benign (1). 1 of the submissions does not count toward it. Last evaluated 2025-10-01.

Conditions:
Glycogen storage disease type III (GSD3). Also called: Cori disease; FORBES DISEASE. Identifiers: Orphanet 366, MedGen C0017922, MONDO:0009291, OMIM 232400.
Inborn genetic diseases. Identifiers: MedGen C0950123, MeSH D030342.

Allele frequency attached by ClinVar (database versions not stated): gnomAD below 0.00001 and 0.00004; gnomAD exomes 0.00003 and 0.00006; ExAC 0.00007.
gnomAD v4.1: 55 of 1,613,996 alleles (0.0034%); highest among the groups gnomAD compares: South Asian, 0.06%; 1 homozygote.

Submissions (6):

Ambry Genetics
Classification: Uncertain significance for Inborn genetic diseases. Last evaluated: 2025-10-01. Review status: criteria provided, single submitter. Criteria: Ambry Variant Classification Scheme 2023. Collection method: clinical testing. Allele origin: germline.

Labcorp Genetics (formerly Invitae), Labcorp
Classification: Likely benign for Glycogen storage disease type III. Last evaluated: 2024-12-20. Review status: criteria provided, single submitter. Criteria: Invitae Variant Classification Sherloc (09022015). Collection method: clinical testing. Allele origin: germline.

Genome-Nilou Lab
Classification: Uncertain significance for Glycogen storage disease type III. Last evaluated: 2023-04-11. Review status: criteria provided, single submitter. Criteria: ACMG Guidelines, 2015. Collection method: clinical testing. Allele origin: germline. Affected: no.

CeGaT Center for Human Genetics Tuebingen
Classification: Uncertain significance. Last evaluated: 2023-01-01. Review status: criteria provided, single submitter. Criteria: CeGaT Center For Human Genetics Tuebingen Variant Classification Criteria Version 2. Collection method: clinical testing. Allele origin: germline. Affected: yes. Observed: 1 variant allele.
Comment: AGL: PP3

Clinical Genomics Laboratory, Stanford Medicine
Classification: Uncertain significance for Glycogen storage disease type III. Last evaluated: 2022-04-11. Review status: criteria provided, single submitter. Criteria: ACMG Guidelines, 2015. Collection method: clinical testing. Allele origin: germline. Observed: 1 variant allele, 1 heterozygote.
Comment: The p.Arg610Lys variant in the AGL gene has not been previously reported in association with disease. This variant has been identified in 16/30,614 South Asian chromosomes by the Genome Aggregation Database. This allele frequency is greater than would be expected to be disease-causing. Computational tools predict that this variant is deleterious; however, the accuracy of in silico algorithms is limited. These data were assessed using the ACMG/AMP variant interpretation guidelines. In summary, the significance of the p.Arg610Lys variant is uncertain. Additional information is needed to resolve the significance of this variant. [ACMG evidence codes used: PP3; BS1_supporting]

Natera, Inc.
Classification: Uncertain significance for Glycogen storage disease type III. Last evaluated: 2020-04-26. Review status: no assertion criteria provided. Collection method: clinical testing. Allele origin: germline. Not counted in ClinVar's aggregate classification.

NM_000642.3(AGL):c.1829G>A (p.Arg610Lys)

Gene: AGL (amylo-alpha-1,6-glucosidase and 4-alpha-glucanotransferase; plus strand). Cytogenetic location: 1p21.2.
Variant type: single nucleotide variant.
Coding change: c.1829G>A on transcript NM_000642.3 (MANE Select); coding-DNA position 1829, G replaced by A.
Protein change: p.Arg610Lys; replaces arginine 610 with lysine.
Molecular consequence: missense variant.
Genome position (GRCh38, 1-based): chr1:99,880,725, G>A. VCF-style: chr1-99880725-G-A. GRCh37 (hg19) VCF-style: chr1-100346281-G-A.
Other names: c.1829G>A, p.Arg610Lys (NM_000028.3, NM_000643.3, NM_000644.3 and 2 more transcripts); c.1781G>A, p.Arg594Lys (NM_000646.3); c.1628G>A, p.Arg543Lys (NM_001425327.1); c.1625G>A, p.Arg542Lys (NM_001425328.1, NM_001425329.1); c.1451G>A, p.Arg484Lys (NM_001425332.1); short protein forms R594K, R610K, R484K, R542K, R543K.
Identifiers: ClinVar variation 944004 (VCV000944004.41), dbSNP rs781127120, ClinGen allele CA966601.